The following is an entry in ClinVar:

ClinVar aggregate classification (germline): Uncertain significance (1 of 4 stars; one submission).

Conditions:
Atrioventricular septal defect 4 (AVSD4). Identifiers: MedGen C3280781, MONDO:0013747, OMIM 614430.

Allele frequency attached by ClinVar (database versions not stated): gnomAD 0.00003 and 0.00004; TOPMed 0.00003.

Submission:

Labcorp Genetics (formerly Invitae), Labcorp
Classification: Uncertain significance for Atrioventricular septal defect 4. Last evaluated: 2025-08-20. Review status: criteria provided, single submitter. Criteria: Invitae Variant Classification Sherloc (09022015). Collection method: clinical testing. Allele origin: germline.
Comment: This sequence change replaces valine, which is neutral and non-polar, with isoleucine, which is neutral and non-polar, at codon 414 of the GATA4 protein (p.Val414Ile). This variant is present in population databases (no rsID available, gnomAD 0.3%). This variant has not been reported in the literature in individuals affected with GATA4-related conditions. ClinVar contains an entry for this variant (Variation ID: 1441379). Invitae Evidence Modeling of protein sequence and biophysical properties (such as structural, functional, and spatial information, amino acid conservation, physicochemical variation, residue mobility, and thermodynamic stability) indicates that this missense variant is not expected to disrupt GATA4 protein function with a negative predictive value of 95%. In summary, the available evidence is currently insufficient to determine the role of this variant in disease. Therefore, it has been classified as a Variant of Uncertain Significance.

NM_001308093.3(GATA4):c.1243G>A (p.Val415Ile)

Gene: GATA4 (GATA binding protein 4). Cytogenetic location: 8p23.1.
Variant type: single nucleotide variant.
Coding change: c.1243G>A on transcript NM_001308093.3 (MANE Select); coding-DNA position 1243, G replaced by A.
Protein change: p.Val415Ile; replaces valine 415 with isoleucine.
Molecular consequence: missense variant.
Genome position (GRCh38, 1-based): chr8:11,758,386, G>A. VCF-style: chr8-11758386-G-A. GRCh37 (hg19) VCF-style: chr8-11615895-G-A.
Other names: c.622G>A, p.Val208Ile (NM_001308094.2, NM_001374273.1); c.496G>A, p.Val166Ile (NM_001374274.1); c.1240G>A, p.Val414Ile (NM_002052.5); short protein forms V415I, V414I, V166I, V208I.
Identifiers: ClinVar variation 1441379 (VCV001441379.8), dbSNP rs900347264, ClinGen allele CA172121463.